The following is an entry in ClinVar:

ClinVar aggregate classification (germline): Conflicting classifications of pathogenicity. Review status: criteria provided, conflicting classifications (1 of 4 stars). 2 submissions from 2 submitters: Uncertain significance (1); Likely benign (1). Last evaluated 2025-07-21.

Allele frequency attached by ClinVar (database versions not stated): ExAC 0.00002; gnomAD exomes 0.00002; TOPMed 0.00002; gnomAD 0.00003.
gnomAD v4.1: 29 of 1,613,164 alleles (0.0018%); highest among the groups gnomAD compares: Non-Finnish European, 0.0022%; no homozygotes.

Submissions (2):

Labcorp Genetics (formerly Invitae), Labcorp
Classification: Uncertain significance. Last evaluated: 2025-07-21. Review status: criteria provided, single submitter. Criteria: Invitae Variant Classification Sherloc (09022015). Collection method: clinical testing. Allele origin: germline.
Comment: This sequence change replaces threonine, which is neutral and polar, with alanine, which is neutral and non-polar, at codon 516 of the ATR protein (p.Thr516Ala). This variant is present in population databases (rs778022363, gnomAD 0.005%). This variant has not been reported in the literature in individuals affected with ATR-related conditions. ClinVar contains an entry for this variant (Variation ID: 2201473). An algorithm developed to predict the effect of missense changes on protein structure and function (PolyPhen-2) suggests that this variant is likely to be tolerated. In summary, the available evidence is currently insufficient to determine the role of this variant in disease. Therefore, it has been classified as a Variant of Uncertain Significance.

CeGaT Center for Human Genetics Tuebingen
Classification: Likely benign. Last evaluated: 2023-12-01. Review status: criteria provided, single submitter. Criteria: CeGaT Center For Human Genetics Tuebingen Variant Classification Criteria Version 2. Collection method: clinical testing. Allele origin: germline. Affected: yes. Observed: 1 variant allele.
Comment: ATR: BP4

NM_001184.4(ATR):c.1546A>G (p.Thr516Ala)

Gene: ATR (ATR checkpoint kinase; minus strand). Cytogenetic location: 3q23.
Variant type: single nucleotide variant.
Coding change: c.1546A>G on transcript NM_001184.4 (MANE Select); coding-DNA position 1546, A replaced by G.
Protein change: p.Thr516Ala; replaces threonine 516 with alanine.
Molecular consequence: missense variant.
Genome position (GRCh38, 1-based): chr3:142,559,437, T>C on the plus strand (A>G on the coding strand, the complement: ATR is on the minus strand). VCF-style: chr3-142559437-T-C. GRCh37 (hg19) VCF-style: chr3-142278279-T-C.
Other names: c.1354A>G, p.Thr452Ala (NM_001354579.2); short protein forms T516A, T452A.
Identifiers: ClinVar variation 2201473 (VCV002201473.27), dbSNP rs778022363, ClinGen allele CA2650559.